The following is an entry in ClinVar:

NM_015602.4(TOR1AIP1):c.580C>T (p.Arg194Cys)

Gene: TOR1AIP1 (torsin 1A interacting protein 1; plus strand). Cytogenetic location: 1q25.2.
Variant type: single nucleotide variant.
Coding change: c.580C>T on transcript NM_015602.4 (MANE Select); coding-DNA position 580, C replaced by T.
Protein change: p.Arg194Cys; replaces arginine 194 with cysteine.
Molecular consequence: missense variant.
Genome position (GRCh38, 1-based): chr1:179,889,339, C>T. VCF-style: chr1-179889339-C-T. GRCh37 (hg19) VCF-style: chr1-179858474-C-T.
Other names: c.583C>T, p.Arg195Cys (NM_001267578.2); c.580C>T (NM_015602.2); short protein forms R195C, R194C.
Identifiers: ClinVar variation 476287 (VCV000476287.8), dbSNP rs534816625, ClinGen allele CA1268844.

ClinVar aggregate classification (germline): Conflicting classifications of pathogenicity. Review status: criteria provided, conflicting classifications (1 of 4 stars). 2 submissions from 2 submitters: Uncertain significance (1); Likely benign (1). Last evaluated 2025-01-21.

Conditions:
Autosomal recessive limb-girdle muscular dystrophy type 2Y (MRRSDC). Also called: Muscular dystrophy, limb-girdle, type 2y; Muscular dystrophy, autosomal recessive, with rigid spine and distal joint contractures. Identifiers: Orphanet 424261, MedGen C4511482, MONDO:0014900, OMIM 617072.
Inborn genetic diseases. Identifiers: MedGen C0950123, MeSH D030342.

Allele frequency attached by ClinVar (database versions not stated): gnomAD exomes 0.00002 and 0.00005; ExAC 0.00004; TOPMed 0.00012; 1000 Genomes Project 30x 0.00016; gnomAD 0.00016 and 0.00018; 1000 Genomes Project 0.00020.
gnomAD v4.1: 60 of 1,607,448 alleles (0.0037%); highest among the groups gnomAD compares: African/African-American, 0.052%; no homozygotes.

Submissions (2):

Ambry Genetics
Classification: Likely benign for Inborn genetic diseases. Last evaluated: 2025-01-21. Review status: criteria provided, single submitter. Criteria: Ambry Variant Classification Scheme 2023. Collection method: clinical testing. Allele origin: germline.

Labcorp Genetics (formerly Invitae), Labcorp
Classification: Uncertain significance for Autosomal recessive limb-girdle muscular dystrophy type 2Y. Last evaluated: 2022-03-23. Review status: criteria provided, single submitter. Criteria: Invitae Variant Classification Sherloc (09022015). Collection method: clinical testing. Allele origin: germline.
Comment: This sequence change replaces arginine, which is basic and polar, with cysteine, which is neutral and slightly polar, at codon 195 of the TOR1AIP1 protein (p.Arg195Cys). This variant is present in population databases (rs534816625, gnomAD 0.05%). This variant has not been reported in the literature in individuals affected with TOR1AIP1-related conditions. ClinVar contains an entry for this variant (Variation ID: 476287). Algorithms developed to predict the effect of missense changes on protein structure and function output the following: SIFT: "Tolerated"; PolyPhen-2: "Benign"; Align-GVGD: "Class C0". The cysteine amino acid residue is found in multiple mammalian species, which suggests that this missense change does not adversely affect protein function. In summary, the available evidence is currently insufficient to determine the role of this variant in disease. Therefore, it has been classified as a Variant of Uncertain Significance.